The following is an entry in ClinVar:

NM_005633.4(SOS1):c.2312T>C (p.Ile771Thr)

Gene: SOS1 (SOS Ras/Rac guanine nucleotide exchange factor 1; minus strand). Cytogenetic location: 2p22.1.
Variant type: single nucleotide variant.
Coding change: c.2312T>C on transcript NM_005633.4 (MANE Select); coding-DNA position 2312, T replaced by C.
Protein change: p.Ile771Thr; replaces isoleucine 771 with threonine.
Molecular consequence: missense variant.
Genome position (GRCh38, 1-based): chr2:39,012,204, A>G on the plus strand (T>C on the coding strand, the complement: SOS1 is on the minus strand). VCF-style: chr2-39012204-A-G. GRCh37 (hg19) VCF-style: chr2-39239345-A-G.
Other names: p.Ile771Thr; c.2291T>C, p.Ile764Thr (NM_001382394.1); c.2312T>C, p.Ile771Thr (NM_001382395.1); short protein forms I771T, I764T.
Identifiers: ClinVar variation 580305 (VCV000580305.25), dbSNP rs557328600, ClinGen allele CA1624432.

ClinVar aggregate classification (germline): Conflicting classifications of pathogenicity. Review status: criteria provided, conflicting classifications (1 of 4 stars). 8 submissions from 7 submitters: Uncertain significance (5); Likely benign (2). 1 of the submissions does not count toward it. Last evaluated 2026-04-28.

Conditions:
SOS1-related disorder. Also called: SOS1-related condition.
Cardiovascular phenotype. Identifiers: MedGen CN230736.
Fibromatosis, gingival, 1 (GINGF1). Identifiers: Orphanet 2024, MedGen C4551558, MONDO:0007609, OMIM 135300.
RASopathy. Also called: Noonan spectrum disorder; rasopathies. Identifiers: Orphanet 536391, MedGen C5555857, MONDO:0021060.
Noonan syndrome 4 (NS4). Also called: NOONAN SYNDROME WITH PIGMENTED VILLONODULAR SYNOVITIS; SOS1-Related Noonan Syndrome. Identifiers: Orphanet 648, MedGen C1853120, MONDO:0012547, OMIM 610733.

Allele frequency attached by ClinVar (database versions not stated): gnomAD 0.00005; TOPMed 0.00009; 1000 Genomes Project 30x 0.00016; 1000 Genomes Project 0.00020.

Submissions (8):

Women's Health and Genetics/Laboratory Corporation of America, LabCorp
Classification: Likely benign. Last evaluated: 2026-04-28. Review status: criteria provided, single submitter. Criteria: LabCorp Variant Classification Summary - May 2015. Collection method: clinical testing. Allele origin: germline.
Comment: Variant summary: SOS1 c.2312T>C (p.Ile771Thr) results in a non-conservative amino acid change in the encoded protein sequence. Algorithms developed to predict the effect of missense changes on protein structure and function are either unavailable or do not agree on the potential impact of this missense change. The variant allele was found at a frequency of 4.4e-05 in 251082 control chromosomes. The observed variant frequency exceeds the estimated maximal expected allele frequency for disease-causing variants in SOS1. To our knowledge, no occurrence of c.2312T>C in individuals affected with SOS1-related conditions and no experimental evidence demonstrating its impact on protein function have been reported. ClinVar contains an entry for this variant (Variation ID: 580305). Based on the evidence outlined above, the variant was classified as likely benign.

Labcorp Genetics (formerly Invitae), Labcorp
Classification: Likely benign for RASopathy. Last evaluated: 2026-01-15. Review status: criteria provided, single submitter. Criteria: Invitae Variant Classification Sherloc (09022015). Collection method: clinical testing. Allele origin: germline.

Ambry Genetics
Classification: Uncertain significance for Cardiovascular phenotype. Last evaluated: 2025-08-25. Review status: criteria provided, single submitter. Criteria: Ambry Variant Classification Scheme 2023. Collection method: clinical testing. Allele origin: germline.

Mayo Clinic Laboratories, Mayo Clinic
Classification: Uncertain significance. Last evaluated: 2025-02-16. Review status: criteria provided, single submitter. Criteria: ACMG Guidelines, 2015. Collection method: clinical testing. Allele origin: germline. Observed: 1 variant allele.
Comment: BP4

St. Jude Molecular Pathology, St. Jude Children's Research Hospital
Classification: Uncertain significance for Noonan syndrome 4. Last evaluated: 2025-02-05. Review status: criteria provided, single submitter. Criteria: St. Jude Assertion Criteria 2020. Collection method: clinical testing. Allele origin: germline.
Comment: The SOS1 c.2312T>C (p.Ile771Thr) missense change has a maximum subpopulation frequency of 0.04% in gnomAD v2.1.1. This variant occurs in a gene where missense variants are more likely to be damaging based on methods described by Lek et al. (PMID: 27535533). The in silico tool REVEL predicts a benign effect on protein function, but to our knowledge this prediction has not been confirmed by functional studies. To our knowledge, this variant has not been reported in individuals with Noonan syndrome. In summary, the evidence currently available is insufficient to determine the clinical significance of this variant. It has therefore been classified as of uncertain significance.

Genome-Nilou Lab
Classification: Uncertain significance for Noonan syndrome 4. Review status: criteria provided, single submitter. Criteria: ACMG Guidelines, 2015. Collection method: clinical testing. Allele origin: germline.

Genome-Nilou Lab
Classification: Uncertain significance for Fibromatosis, gingival, 1. Review status: criteria provided, single submitter. Criteria: ACMG Guidelines, 2015. Collection method: clinical testing. Allele origin: germline.

PreventionGenetics, part of Exact Sciences
Classification: Likely benign for SOS1-related condition. Last evaluated: 2022-11-07. Review status: no assertion criteria provided. Collection method: clinical testing. Allele origin: germline. Not counted in ClinVar's aggregate classification.
Comment: This variant is classified as likely benign based on ACMG/AMP sequence variant interpretation guidelines (Richards et al. 2015 PMID: 25741868, with internal and published modifications).